The following is an entry in ClinVar:

NM_001349253.2(SCN11A):c.2T>C (p.Met1Thr)

Gene: SCN11A (sodium voltage-gated channel alpha subunit 11; minus strand). Cytogenetic location: 3p22.2.
Variant type: single nucleotide variant.
Coding change: c.2T>C on transcript NM_001349253.2 (MANE Select); coding-DNA position 2, T replaced by C.
Protein change: p.Met1Thr; changes the start codon (methionine 1).
Molecular consequence: missense variant, initiator codon variant.
Genome position (GRCh38, 1-based): chr3:38,950,361, A>G on the plus strand (T>C on the coding strand, the complement: SCN11A is on the minus strand). VCF-style: chr3-38950361-A-G. GRCh37 (hg19) VCF-style: chr3-38991852-A-G.
Other names: c.2T>C, p.Met1Thr (NM_014139.3); short protein forms M1T.
Identifiers: ClinVar variation 3763569 (VCV003763569.2).
Genomic context (GRCh38, chr3:38,950,361, plus strand): 5'-GAAGTGAAGGGGCGGAAATTCCGCTCATCTGGAAAGATTACTGGGTAGCATCTGTCATCC[A>G]TCTTCACCCTCAGGACAGAGACAAGCCACAGATCCTCAGAAAGGCCTCAGGAGGCGGGAA-3'
Protein context (NP_001336182.1, residues 1-11): [Met1Thr]DDRCYPVIFP

ClinVar aggregate classification (germline): Uncertain significance (1 of 4 stars; one submission).

Conditions:
Hereditary sensory and autonomic neuropathy type 7. Also called: HSAN VII; Neuropathy, hereditary sensory and autonomic, type VII. Identifiers: Orphanet 391397, MedGen C3809882, MONDO:0014244, OMIM 615548.
Familial episodic pain syndrome with predominantly lower limb involvement. Also called: Episodic pain syndrome, familial, 3. Identifiers: Orphanet 391384, Orphanet 391392, MedGen C3809899, MONDO:0014247, OMIM 615552.

Submission:

Labcorp Genetics (formerly Invitae), Labcorp
Classification: Uncertain significance for Familial episodic pain syndrome with predominantly lower limb involvement; Hereditary sensory and autonomic neuropathy type 7. Last evaluated: 2024-06-13. Review status: criteria provided, single submitter. Criteria: Invitae Variant Classification Sherloc (09022015). Collection method: clinical testing. Allele origin: germline.
Comment: This sequence change affects the initiator methionine of the SCN11A mRNA. The next in-frame methionine is located at codon 92. This variant is present in population databases (rs764704628, gnomAD 0.0009%). This variant has not been reported in the literature in individuals affected with SCN11A-related conditions. Experimental studies and prediction algorithms are not available or were not evaluated, and the functional significance of this variant is currently unknown. In summary, the available evidence is currently insufficient to determine the role of this variant in disease. Therefore, it has been classified as a Variant of Uncertain Significance.